The following is an entry in ClinVar:

ClinVar aggregate classification (germline): Uncertain significance (1 of 4 stars; one submission).

Allele frequency attached by ClinVar (database versions not stated): ExAC 0.00001.
gnomAD v4.1: 1 of 1,610,024 alleles (0.000062%); no homozygotes.

Submission:

Labcorp Genetics (formerly Invitae), Labcorp
Classification: Uncertain significance. Last evaluated: 2023-03-08. Review status: criteria provided, single submitter. Criteria: Invitae Variant Classification Sherloc (09022015). Collection method: clinical testing. Allele origin: germline.
Comment: This variant is present in population databases (rs776885451, gnomAD 0.0009%). This variant has not been reported in the literature in individuals affected with ANKZF1-related conditions. An algorithm developed to predict the effect of missense changes on protein structure and function (PolyPhen-2) suggests that this variant is likely to be disruptive. In summary, the available evidence is currently insufficient to determine the role of this variant in disease. Therefore, it has been classified as a Variant of Uncertain Significance. This sequence change replaces proline, which is neutral and non-polar, with serine, which is neutral and polar, at codon 331 of the ANKZF1 protein (p.Pro331Ser).

NM_018089.3(ANKZF1):c.991C>T (p.Pro331Ser)

Gene: ANKZF1 (ankyrin repeat and zinc finger peptidyl tRNA hydrolase 1; plus strand). Cytogenetic location: 2q35.
Variant type: single nucleotide variant.
Coding change: c.991C>T on transcript NM_018089.3 (MANE Select); coding-DNA position 991, C replaced by T.
Protein change: p.Pro331Ser; replaces proline 331 with serine.
Molecular consequence: missense variant.
Genome position (GRCh38, 1-based): chr2:219,233,886, C>T. VCF-style: chr2-219233886-C-T. GRCh37 (hg19) VCF-style: chr2-220098608-C-T.
Other names: c.991C>T, p.Pro331Ser (NM_001042410.2); c.361C>T, p.Pro121Ser (NM_001282792.2); short protein forms P121S, P331S.
Identifiers: ClinVar variation 2843791 (VCV002843791.3), dbSNP rs776885451, ClinGen allele CA2120921.
Genomic context (GRCh38, chr2:219,233,886, plus strand): 5'-GGAGCACCCCTGCAAAGGGGGGATCCCCGACTTTGGGATATCCCCCTCGCCACCCGCAGA[C>T]CCACCTTCCAAGAGCTACAGCGTGTGCTCCATAAGCTGACCACTTTGCATGTCTATGGTG-3'
Protein context (NP_060559.2, residues 321-341): LWDIPLATRR[Pro331Ser]TFQELQRVLH